The following is an entry in ClinVar:

NM_000264.5(PTCH1):c.3812A>G (p.His1271Arg)

Gene: PTCH1 (patched 1; minus strand). Cytogenetic location: 9q22.32.
Variant type: single nucleotide variant.
Coding change: c.3812A>G on transcript NM_000264.5 (MANE Select); coding-DNA position 3812, A replaced by G.
Protein change: p.His1271Arg; replaces histidine 1271 with arginine.
Molecular consequence: missense variant. On other transcripts: non-coding transcript variant (1).
Genome position (GRCh38, 1-based): chr9:95,447,444, T>C on the plus strand (A>G on the coding strand, the complement: PTCH1 is on the minus strand). VCF-style: chr9-95447444-T-C. GRCh37 (hg19) VCF-style: chr9-98209726-T-C.
Other names: c.3614A>G, p.His1205Arg (NM_001083602.3); c.3809A>G, p.His1270Arg (NM_001083603.3); c.3359A>G, p.His1120Arg (NM_001083604.3, NM_001083605.3, NM_001083606.3 and 1 more transcripts); c.3656A>G, p.His1219Arg (NM_001354918.2); short protein forms H1271R, H1120R, H1205R, H1219R, H1270R.
Identifiers: ClinVar variation 971029 (VCV000971029.12), dbSNP rs1838057444, ClinGen allele CA374110873.
Genomic context (GRCh38, chr9:95,447,444, plus strand): 5'-CCTGAGTCCAGGTGGGGCTGCTGTCTCGGGTTCGAGGGTGGGTGATGCCTGGATTCGGGA[T>C]GGACCACCTGCAGAGGGTGAGGGTGGGTTAGAAGGGTGGTATCCCAGGCTGGGCATGGTC-3'
Protein context (NP_000255.2, residues 1261-1281): NPVFAHSTVV[His1271Arg]PESRHHPPSN

ClinVar aggregate classification (germline): Uncertain significance. Review status: criteria provided, multiple submitters, no conflicts (2 of 4 stars). 2 submissions from 2 submitters: Uncertain significance (2). Last evaluated 2025-08-31.

Conditions:
Hereditary cancer-predisposing syndrome. Also called: Hereditary neoplastic syndrome; Hereditary Cancer Syndrome; Tumor predisposition; Neoplastic Syndromes, Hereditary. Identifiers: Orphanet 140162, MedGen C0027672, MeSH D009386, MONDO:0015356.
Gorlin syndrome. Also called: Nevoid Basal Cell Carcinoma Syndrome; Basal cell nevus syndrome. Identifiers: Orphanet 377, MedGen C0004779, MONDO:0007187.

Submissions (2):

Ambry Genetics
Classification: Uncertain significance for Hereditary cancer-predisposing syndrome. Last evaluated: 2025-08-31. Review status: criteria provided, single submitter. Criteria: Ambry Variant Classification Scheme 2023. Collection method: clinical testing. Allele origin: germline.
Comment: The p.H1271R variant (also known as c.3812A>G), located in coding exon 23 of the PTCH1 gene, results from an A to G substitution at nucleotide position 3812. The histidine at codon 1271 is replaced by arginine, an amino acid with highly similar properties. This amino acid position is conserved. In addition, this alteration is predicted to be tolerated by in silico analysis. Based on the available evidence, the clinical significance of this variant remains unclear.

Labcorp Genetics (formerly Invitae), Labcorp
Classification: Uncertain significance for Gorlin syndrome. Last evaluated: 2019-11-04. Review status: criteria provided, single submitter. Criteria: Invitae Variant Classification Sherloc (09022015). Collection method: clinical testing. Allele origin: germline.
Comment: In summary, the available evidence is currently insufficient to determine the role of this variant in disease. Therefore, it has been classified as a Variant of Uncertain Significance. Algorithms developed to predict the effect of missense changes on protein structure and function (SIFT, PolyPhen-2, Align-GVGD) all suggest that this variant is likely to be tolerated, but these predictions have not been confirmed by published functional studies and their clinical significance is uncertain. This variant has not been reported in the literature in individuals with PTCH1-related conditions. This variant is not present in population databases (ExAC no frequency). This sequence change replaces histidine with arginine at codon 1271 of the PTCH1 protein (p.His1271Arg). The histidine residue is weakly conserved and there is a small physicochemical difference between histidine and arginine.